The following is an entry in ClinVar:

ClinVar aggregate classification (germline): Pathogenic. Review status: criteria provided, multiple submitters, no conflicts (2 of 4 stars). 4 submissions from 4 submitters: Pathogenic (4). Last evaluated 2025-01-16.

Conditions:
Familial cancer of breast. Also called: BREAST CANCER, FAMILIAL; Hereditary breast cancer; hereditary breast carcinoma. Identifiers: Orphanet 227535, MedGen C0346153, MONDO:0016419, OMIM 114480. Disease mechanism: loss of function.
Hereditary cancer-predisposing syndrome. Also called: Hereditary Cancer Syndrome; Neoplastic Syndromes, Hereditary; Tumor predisposition; Hereditary neoplastic syndrome. Identifiers: Orphanet 140162, MedGen C0027672, MeSH D009386, MONDO:0015356.
Ataxia-telangiectasia syndrome (AT). Also called: Ataxia-telangiectasia, complementation group D; AT, COMPLEMENTATION GROUP C; ATAXIA-TELANGIECTASIA, COMPLEMENTATION GROUP A; ATAXIA-TELANGIECTASIA, FRESNO VARIANT; Ataxia-telangiectasia; LOUIS-BAR SYNDROME. Identifiers: Orphanet 100, MedGen C0004135, MONDO:0008840, OMIM 208900.

Submissions (4):

Ambry Genetics
Classification: Pathogenic for Hereditary cancer-predisposing syndrome. Last evaluated: 2025-01-16. Review status: criteria provided, single submitter. Criteria: Ambry Variant Classification Scheme 2023. Collection method: clinical testing. Allele origin: germline.
Comment: The c.3760delG pathogenic mutation, located in coding exon 25 of the ATM gene, results from a deletion of one nucleotide at nucleotide position 3760, causing a translational frameshift with a predicted alternate stop codon (p.V1254Ffs*2). This variant is considered to be rare based on population cohorts in the Genome Aggregation Database (gnomAD). This alteration is expected to result in loss of function by premature protein truncation or nonsense-mediated mRNA decay. As such, this alteration is interpreted as a disease-causing mutation.

Labcorp Genetics (formerly Invitae), Labcorp
Classification: Pathogenic for Ataxia-telangiectasia syndrome. Last evaluated: 2024-04-29. Review status: criteria provided, single submitter. Criteria: Invitae Variant Classification Sherloc (09022015). Collection method: clinical testing. Allele origin: germline.
Comment: This sequence change creates a premature translational stop signal (p.Val1254Phefs*2) in the ATM gene. It is expected to result in an absent or disrupted protein product. Loss-of-function variants in ATM are known to be pathogenic (PMID: 23807571, 25614872). This variant is not present in population databases (gnomAD no frequency). This variant has not been reported in the literature in individuals affected with ATM-related conditions. ClinVar contains an entry for this variant (Variation ID: 187146). For these reasons, this variant has been classified as Pathogenic.

Myriad Genetics, Inc.
Classification: Pathogenic for Familial cancer of breast. Last evaluated: 2024-01-23. Review status: criteria provided, single submitter. Criteria: Myriad Autosomal Dominant, Autosomal Recessive and X-Linked Classification Criteria (2023). Collection method: clinical testing. Allele origin: unknown.
Comment: This variant is considered pathogenic. This variant creates a frameshift predicted to result in premature protein truncation.

Color Diagnostics, LLC DBA Color Health
Classification: Pathogenic for Hereditary cancer-predisposing syndrome. Last evaluated: 2020-01-15. Review status: criteria provided, single submitter. Criteria: ACMG Guidelines, 2015. Collection method: clinical testing. Allele origin: germline.
Comment: This variant deletes 1 nucleotide in exon 26 of the ATM gene, creating a frameshift and premature translation stop signal. This variant is expected to result in an absent or non-functional protein product. This variant has not been identified in the general population by the Genome Aggregation Database (gnomAD). Loss of ATM function is a known mechanism of disease. Based on the available evidence, this variant is classified as Pathogenic.

Literature cited by the submitters: PubMed 23807571 (cited by Labcorp Genetics (formerly Invitae), Labcorp); PubMed 25614872 (cited by Labcorp Genetics (formerly Invitae), Labcorp).

NM_000051.4(ATM):c.3760del (p.Val1254fs)

Gene: ATM (ATM serine/threonine kinase; plus strand). Cytogenetic location: 11q22.3.
Variant type: Deletion.
Coding change: c.3760del on transcript NM_000051.4 (MANE Select); coding-DNA position 3760, one base deleted (G; older notation c.3760delG).
Protein change: p.Val1254fs; shifts the reading frame from valine 1254.
Molecular consequence: frameshift variant.
Genome position (GRCh38, 1-based): chr11:108,284,240, G deleted; the last of 2 consecutive G bases (chr11:108,284,239-108,284,240); deleting either gives the same sequence. VCF-style (leftmost placement, unchanged base first): chr11-108284238-AG-A. GRCh37 (hg19) VCF-style: chr11-108154965-AG-A.
Other names: c.3760delG (NM_000051.3); c.3760del, p.Val1254fs (NM_001351834.2); short protein forms V1254fs.
Identifiers: ClinVar variation 187146 (VCV000187146.17), dbSNP rs786203507, ClinGen allele CA196848.